The following is an entry in ClinVar:

ClinVar aggregate classification (germline): Uncertain significance. Review status: criteria provided, multiple submitters, no conflicts (2 of 4 stars). 2 submissions from 2 submitters: Uncertain significance (2). Last evaluated 2025-03-19.

Conditions:
Cardiovascular phenotype. Identifiers: MedGen CN230736.

Allele frequency attached by ClinVar (database versions not stated): TOPMed below 0.00001; gnomAD 0.00001.
gnomAD v4.1: 1 of 1,614,012 alleles (0.000062%); highest among the groups gnomAD compares: African/African-American, 0.0013%; no homozygotes.

Submissions (2):

GeneDx
Classification: Uncertain significance. Last evaluated: 2025-03-19. Review status: criteria provided, single submitter. Criteria: GeneDx Variant Classification Process June 2021. Collection method: clinical testing. Allele origin: germline. Affected: yes.
Comment: Not observed at significant frequency in large population cohorts (gnomAD); In silico analysis supports that this missense variant has a deleterious effect on protein structure/function; Has not been previously published as pathogenic or benign to our knowledge

Ambry Genetics
Classification: Uncertain significance for Cardiovascular phenotype. Last evaluated: 2021-10-12. Review status: criteria provided, single submitter. Criteria: Ambry Variant Classification Scheme 2023. Collection method: clinical testing. Allele origin: germline.
Comment: The p.E2939G variant (also known as c.8816A>G), located in coding exon 26 of the APOB gene, results from an A to G substitution at nucleotide position 8816. The glutamic acid at codon 2939 is replaced by glycine, an amino acid with similar properties. This amino acid position is conserved. In addition, this alteration is predicted to be tolerated by in silico analysis. Since supporting evidence is limited at this time, the clinical significance of this alteration remains unclear.

NM_000384.3(APOB):c.8816A>G (p.Glu2939Gly)

Gene: APOB (apolipoprotein B; minus strand). Cytogenetic location: 2p24.1.
Variant type: single nucleotide variant.
Coding change: c.8816A>G on transcript NM_000384.3 (MANE Select); coding-DNA position 8816, A replaced by G.
Protein change: p.Glu2939Gly; replaces glutamic acid 2939 with glycine.
Molecular consequence: missense variant.
Genome position (GRCh38, 1-based): chr2:21,008,052, T>C on the plus strand (A>G on the coding strand, the complement: APOB is on the minus strand). VCF-style: chr2-21008052-T-C. GRCh37 (hg19) VCF-style: chr2-21230924-T-C.
Other names: short protein forms E2939G.
Identifiers: ClinVar variation 1764761 (VCV001764761.3), dbSNP rs1204806424, ClinGen allele CA345993302.
Genomic context (GRCh38, chr2:21,008,052, plus strand): 5'-AGTCCAAAGGAAGTGAGGGGTCCTTCTATGGTGAAACTAATTTGTGATTCATGTGTTCCC[T>C]CATCTGAGAATCTGGGGCAGGCCCATTTCCATGACCCTTTTCCAGAAGAAGTCCATGCTA-3'
Protein context (NP_000375.3, residues 2929-2949): WKWACPRFSD[Glu2939Gly]GTHESQISFT